The following is an entry in ClinVar:

NM_000245.4(MET):c.4171T>C (p.Ter1391Gln)

Gene: MET (MET proto-oncogene, receptor tyrosine kinase; plus strand). Cytogenetic location: 7q31.2.
Variant type: single nucleotide variant.
Coding change: c.4171T>C on transcript NM_000245.4 (MANE Select); coding-DNA position 4171, T replaced by C.
Protein change: p.Ter1391Gln.
Molecular consequence: stop lost.
Genome position (GRCh38, 1-based): chr7:116,796,122, T>C. VCF-style: chr7-116796122-T-C. GRCh37 (hg19) VCF-style: chr7-116436176-T-C.
Other names: c.4225T>C, p.Ter1409Gln (NM_001127500.3); c.2881T>C, p.Ter961Gln (NM_001324402.2).
Identifiers: ClinVar variation 4053910 (VCV004053910.2).
Genomic context (GRCh38, chr7:116,796,122, plus strand): 5'-TCAGAAGATAACGCTGATGATGAGGTGGACACACGACCAGCCTCCTTCTGGGAGACATCA[T>C]AGTGCTAGTACTATGTCAAAGCAACAGTCCACACTTTGTCCAATGGTTTTTTCACTGCCT-3'

ClinVar aggregate classification (germline): Uncertain significance. Review status: criteria provided, multiple submitters, no conflicts (2 of 4 stars). 2 submissions from 2 submitters: Uncertain significance (2). Last evaluated 2025-10-26.

Conditions:
Hereditary cancer-predisposing syndrome. Also called: Neoplastic Syndromes, Hereditary; Tumor predisposition; Hereditary neoplastic syndrome; Hereditary Cancer Syndrome. Identifiers: Orphanet 140162, MedGen C0027672, MeSH D009386, MONDO:0015356.
Renal cell carcinoma. Identifiers: Orphanet 217071, MedGen C0007134, MeSH D002292, MONDO:0005086, HP:0005584.

gnomAD v4.1: 1 of 1,613,476 alleles (0.000062%); highest among the groups gnomAD compares: East Asian, 0.0022%; no homozygotes.

Submissions (2):

Labcorp Genetics (formerly Invitae), Labcorp
Classification: Uncertain significance for Renal cell carcinoma. Last evaluated: 2025-10-26. Review status: criteria provided, single submitter. Criteria: Invitae Variant Classification Sherloc (09022015). Collection method: clinical testing. Allele origin: germline.
Comment: This sequence change disrupts the translational stop signal of the MET mRNA. It is expected to extend the length of the MET protein by 2 additional amino acid residues. This variant is present in population databases (no rsID available, gnomAD 0.006%). This variant has not been reported in the literature in individuals affected with MET-related conditions. ClinVar contains an entry for this variant (Variation ID: 4053910). In summary, the available evidence is currently insufficient to determine the role of this variant in disease. Therefore, it has been classified as a Variant of Uncertain Significance.

Ambry Genetics
Classification: Uncertain significance for Hereditary cancer-predisposing syndrome. Last evaluated: 2025-04-02. Review status: criteria provided, single submitter. Criteria: Ambry Variant Classification Scheme 2023. Collection method: clinical testing. Allele origin: germline.
Comment: The c.4225T>C variant (also known as p.*1409Qext*2), located in coding exon 20 of the MET gene, results from a T to C substitution at nucleotide position 4225. This alteration disrupts the stop codon of the MET gene and is predicted to preserve the native sequence while resulting in the elongation of the protein by 2 amino acids. The exact functional effect of the additional amino acids is unknown. Based on the available evidence, the clinical significance of this variant remains unclear.